The following is an entry in ClinVar:

NM_172351.3(CD46):c.125A>C (p.Glu42Ala)

Gene: CD46 (CD46 molecule; plus strand). Cytogenetic location: 1q32.2.
Variant type: single nucleotide variant.
Coding change: c.125A>C on transcript NM_172351.3 (MANE Select); coding-DNA position 125, A replaced by C.
Protein change: p.Glu42Ala; replaces glutamic acid 42 with alanine.
Molecular consequence: missense variant.
Genome position (GRCh38, 1-based): chr1:207,757,041, A>C. VCF-style: chr1-207757041-A-C. GRCh37 (hg19) VCF-style: chr1-207930386-A-C.
Other names: c.125A>C, p.Glu42Ala (NM_002389.4, NM_153826.4, NM_172350.3 and 8 more transcripts); short protein forms E42A.
Identifiers: ClinVar variation 4291239 (VCV004291239.1).
Genomic context (GRCh38, chr1:207,757,041, plus strand): 5'-TTCATCTTCATGTTCCTATTCTCTTATCCCTAGATGCCTGTGAGGAGCCACCAACATTTG[A>C]AGCTATGGAGCTCATTGGTAAACCAAAACCCTACTATGAGATTGGTGAACGAGTAGATTA-3'
Protein context (NP_758861.1, residues 32-52): SDACEEPPTF[Glu42Ala]AMELIGKPKP

ClinVar aggregate classification (germline): Uncertain significance (1 of 4 stars; one submission).

Conditions:
Atypical hemolytic-uremic syndrome. Identifiers: Orphanet 2134, MedGen C2931788, MONDO:0016244.

Submission:

Genomenon, Inc
Classification: Uncertain significance for Atypical hemolytic-uremic syndrome. Last evaluated: 2025-10-02. Review status: criteria provided, single submitter. Criteria: Genomenon Sequence Variant Interpretation Standards. Collection method: curation. Allele origin: germline. Affected: no.
Comment: CD46 p.Glu42Ala (c.125A>C) is a missense variant that changes the amino acid at residue 42 from Glutamic acid to Alanine. This variant has been reported in the published literature (PMID:16014961;26357573). It is absent or not present at a significant frequency in gnomAD. In silico models agree that this variant is not damaging. In conclusion, we classify CD46 p.Glu42Ala (c.125A>C) as a variant of uncertain significance.

Literature cited by the submitters: PubMed 16014961; PubMed 26357573.